The following is an entry in ClinVar:

ClinVar aggregate classification (germline): Uncertain significance (1 of 4 stars; one submission).

Conditions:
Fanconi anemia (FA). Also called: Fanconi's anemia. Identifiers: Orphanet 84, MedGen C0015625, MeSH D005199, MONDO:0019391.

Submission:

Labcorp Genetics (formerly Invitae), Labcorp
Classification: Uncertain significance for Fanconi anemia. Last evaluated: 2023-05-02. Review status: criteria provided, single submitter. Criteria: Invitae Variant Classification Sherloc (09022015). Collection method: clinical testing. Allele origin: germline.
Comment: This sequence change replaces glutamic acid, which is acidic and polar, with aspartic acid, which is acidic and polar, at codon 1218 of the FANCM protein (p.Glu1218Asp). This variant is not present in population databases (gnomAD no frequency). This variant has not been reported in the literature in individuals affected with FANCM-related conditions. Algorithms developed to predict the effect of missense changes on protein structure and function output the following: SIFT: "Not Available"; PolyPhen-2: "Benign"; Align-GVGD: "Not Available". The aspartic acid amino acid residue is found in multiple mammalian species, which suggests that this missense change does not adversely affect protein function. In summary, the available evidence is currently insufficient to determine the role of this variant in disease. Therefore, it has been classified as a Variant of Uncertain Significance.

NM_020937.4(FANCM):c.3654G>C (p.Glu1218Asp)

Gene: FANCM (FA complementation group M; plus strand). Cytogenetic location: 14q21.2.
Variant type: single nucleotide variant.
Coding change: c.3654G>C on transcript NM_020937.4 (MANE Select); coding-DNA position 3654, G replaced by C.
Protein change: p.Glu1218Asp; replaces glutamic acid 1218 with aspartic acid.
Molecular consequence: missense variant.
Genome position (GRCh38, 1-based): chr14:45,176,408, G>C. VCF-style: chr14-45176408-G-C. GRCh37 (hg19) VCF-style: chr14-45645611-G-C.
Other names: c.3576G>C, p.Glu1192Asp (NM_001308133.2); short protein forms E1218D, E1192D.
Identifiers: ClinVar variation 2984336 (VCV002984336.3), dbSNP rs2503193345, ClinGen allele CA389602473.